The following is an entry in ClinVar:

NM_000078.3(CETP):c.1159A>G (p.Thr387Ala)

Gene: CETP (cholesteryl ester transfer protein; plus strand). Cytogenetic location: 16q13.
Variant type: single nucleotide variant.
Coding change: c.1159A>G on transcript NM_000078.3 (MANE Select); coding-DNA position 1159, A replaced by G.
Protein change: p.Thr387Ala; replaces threonine 387 with alanine.
Molecular consequence: missense variant.
Genome position (GRCh38, 1-based): chr16:56,981,170, A>G. VCF-style: chr16-56981170-A-G. GRCh37 (hg19) VCF-style: chr16-57015082-A-G.
Other names: c.979A>G, p.Thr327Ala (NM_001286085.2); short protein forms T327A, T387A.
Identifiers: ClinVar variation 3369355 (VCV003369355.1).

ClinVar aggregate classification (germline): Uncertain significance (1 of 4 stars; one submission).

gnomAD v4.1: 2 of 1,613,506 alleles (0.00012%); highest among the groups gnomAD compares: Non-Finnish European, 0.00017%; no homozygotes.

Submission:

GeneDx
Classification: Uncertain significance. Last evaluated: 2024-02-20. Review status: criteria provided, single submitter. Criteria: GeneDx Variant Classification Process June 2021. Collection method: clinical testing. Allele origin: germline. Affected: yes.
Comment: Has not been previously published as pathogenic or benign to our knowledge; Not observed at significant frequency in large population cohorts (gnomAD); In silico analysis supports that this missense variant does not alter protein structure/function